The following is an entry in ClinVar:

NM_018341.3(ERMARD):c.1830G>A (p.Ala610=)

Gene: ERMARD (ER membrane associated RNA degradation; plus strand). Cytogenetic location: 6q27.
Variant type: single nucleotide variant.
Coding change: c.1830G>A on transcript NM_018341.3 (MANE Select); coding-DNA position 1830, G replaced by A.
Protein change: p.Ala610=; no amino-acid change (alanine 610 retained).
Molecular consequence: synonymous variant.
Genome position (GRCh38, 1-based): chr6:169,779,272, G>A. VCF-style: chr6-169779272-G-A. GRCh37 (hg19) VCF-style: chr6-170179368-G-A.
Other names: c.1689G>A, p.Ala563= (NM_001278531.2); c.1452G>A, p.Ala484= (NM_001278532.2); c.1611G>A, p.Ala537= (NM_001278533.2); c.1422G>A, p.Ala474= (NM_001410957.1).
Identifiers: ClinVar variation 3031903 (VCV003031903.2), dbSNP rs781086812, ClinGen allele CA4106442.

ClinVar aggregate classification (germline): Likely benign (0 of 4 stars; one submission).

Conditions:
ERMARD-related disorder. Also called: ERMARD-related condition.

Allele frequency attached by ClinVar (database versions not stated): gnomAD 0.00001; TOPMed 0.00001; ExAC 0.00006.
gnomAD v4.1: 21 of 1,614,022 alleles (0.0013%); highest among the groups gnomAD compares: Admixed American, 0.005%; no homozygotes.

Submission:

PreventionGenetics, part of Exact Sciences
Classification: Likely benign for ERMARD-related condition. Last evaluated: 2020-09-30. Review status: no assertion criteria provided. Collection method: clinical testing. Allele origin: germline.
Comment: This variant is classified as likely benign based on ACMG/AMP sequence variant interpretation guidelines (Richards et al. 2015 PMID: 25741868, with internal and published modifications).